The following is an entry in ClinVar:

ClinVar aggregate classification (germline): Pathogenic (1 of 4 stars; one submission).

Submission:

Labcorp Genetics (formerly Invitae), Labcorp
Classification: Pathogenic. Last evaluated: 2024-04-17. Review status: criteria provided, single submitter. Criteria: Invitae Variant Classification Sherloc (09022015). Collection method: clinical testing. Allele origin: germline.
Comment: This sequence change creates a premature translational stop signal (p.Ser665*) in the PRPF8 gene. It is expected to result in an absent or disrupted protein product. Loss-of-function variants in PRPF8 are known to be pathogenic (PMID: 27208204, 31054281, 33946315). This variant is not present in population databases (gnomAD no frequency). This variant has not been reported in the literature in individuals affected with PRPF8-related conditions. For these reasons, this variant has been classified as Pathogenic.

Literature cited by the submitters: PubMed 27208204; PubMed 31054281; PubMed 33946315.

NM_006445.4(PRPF8):c.1994C>A (p.Ser665Ter)

Gene: PRPF8 (pre-mRNA processing factor 8; minus strand). Cytogenetic location: 17p13.3.
Variant type: single nucleotide variant.
Coding change: c.1994C>A on transcript NM_006445.4 (MANE Select); coding-DNA position 1994, C replaced by A.
Protein change: p.Ser665Ter; replaces serine 665 with a stop codon.
Molecular consequence: nonsense.
Genome position (GRCh38, 1-based): chr17:1,677,163, G>T on the plus strand (C>A on the coding strand, the complement: PRPF8 is on the minus strand). VCF-style: chr17-1677163-G-T. GRCh37 (hg19) VCF-style: chr17-1580457-G-T.
Other names: short protein forms S665*.
Identifiers: ClinVar variation 2851871 (VCV002851871.3), dbSNP rs2543770258, ClinGen allele CA397556229.